The following is an entry in ClinVar:

NM_001197104.2(KMT2A):c.2657G>A (p.Arg886Gln)

Gene: KMT2A (lysine methyltransferase 2A; plus strand). Cytogenetic location: 11q23.3.
Variant type: single nucleotide variant.
Coding change: c.2657G>A on transcript NM_001197104.2 (MANE Select); coding-DNA position 2657, G replaced by A.
Protein change: p.Arg886Gln; replaces arginine 886 with glutamine.
Molecular consequence: missense variant.
Genome position (GRCh38, 1-based): chr11:118,473,816, G>A. VCF-style: chr11-118473816-G-A. GRCh37 (hg19) VCF-style: chr11-118344531-G-A.
Other names: c.2657G>A, p.Arg886Gln (NM_005933.4); short protein forms R886Q.
Identifiers: ClinVar variation 1390855 (VCV001390855.6), dbSNP rs868923495, ClinGen allele CA382816789.
Genomic context (GRCh38, chr11:118,473,816, plus strand): 5'-AGAGCGTGGAGAAGGACAAGAGTAGAGAGAGAGACCGGGAGAGAGAAAAGGAGAATAAGC[G>A]GGAGTCAAGGAAAGAGAAAAGGAAAAAGGGATCAGAAATTCAGAGTAGTTCTGCTTTGTA-3'
Protein context (NP_001184033.1, residues 876-896): RDREREKENK[Arg886Gln]ESRKEKRKKG

ClinVar aggregate classification (germline): Uncertain significance (1 of 4 stars; one submission).

Allele frequency attached by ClinVar (database versions not stated): gnomAD exomes below 0.00001; TOPMed 0.00001; gnomAD 0.00001.
gnomAD v4.1: 3 of 1,614,002 alleles (0.00019%); highest among the groups gnomAD compares: African/African-American, 0.0013%; no homozygotes.

Submission:

Labcorp Genetics (formerly Invitae), Labcorp
Classification: Uncertain significance. Last evaluated: 2025-12-23. Review status: criteria provided, single submitter. Criteria: Invitae Variant Classification Sherloc (09022015). Collection method: clinical testing. Allele origin: germline.
Comment: This sequence change replaces arginine, which is basic and polar, with glutamine, which is neutral and polar, at codon 886 of the KMT2A protein (p.Arg886Gln). This variant is present in population databases (no rsID available, gnomAD 0.004%). This variant has not been reported in the literature in individuals affected with KMT2A-related conditions. ClinVar contains an entry for this variant (Variation ID: 1390855). Invitae Evidence Modeling of protein sequence and biophysical properties (such as structural, functional, and spatial information, amino acid conservation, physicochemical variation, residue mobility, and thermodynamic stability) has been performed for this missense variant. However, the output from this modeling did not meet the statistical confidence thresholds required to predict the impact of this variant on KMT2A protein function. In summary, the available evidence is currently insufficient to determine the role of this variant in disease. Therefore, it has been classified as a Variant of Uncertain Significance.